The following is an entry in ClinVar:

ClinVar aggregate classification (germline): Uncertain significance (1 of 4 stars; one submission).

Conditions:
Inborn genetic diseases. Identifiers: MedGen C0950123, MeSH D030342.

Submission:

Ambry Genetics
Classification: Uncertain significance for Inborn genetic diseases. Last evaluated: 2026-08-31. Review status: criteria provided, single submitter. Criteria: Ambry Variant Classification Scheme 2023. Collection method: clinical testing. Allele origin: germline.
Comment: The p.I257M variant (also known as c.771C>G), located in coding exon 2 of the SH2B3 gene, results from a C to G substitution at nucleotide position 771. The isoleucine at codon 257 is replaced by methionine, an amino acid with highly similar properties. This amino acid position is conserved. In addition, this alteration is predicted to be tolerated by in silico analysis. Based on the available evidence, the clinical significance of this variant remains unclear.

NM_005475.3(SH2B3):c.771C>G (p.Ile257Met)

Gene: SH2B3 (SH2B adaptor protein 3; plus strand). Cytogenetic location: 12q24.12.
Variant type: single nucleotide variant.
Coding change: c.771C>G on transcript NM_005475.3 (MANE Select); coding-DNA position 771, C replaced by G.
Protein change: p.Ile257Met; replaces isoleucine 257 with methionine.
Molecular consequence: missense variant.
Genome position (GRCh38, 1-based): chr12:111,446,791, C>G. VCF-style: chr12-111446791-C-G. GRCh37 (hg19) VCF-style: chr12-111884595-C-G.
Other names: c.165C>G, p.Ile55Met (NM_001291424.1); short protein forms I257M, I55M.
Identifiers: ClinVar variation 5029518 (VCV005029518.1).
Genomic context (GRCh38, chr12:111,446,791, plus strand): 5'-GTACCCCAACTTGGTCTCGTAGAGTTCAAGGCCCAAGCTACAAGCAGCTTGCTCCAGCAT[C>G]CAGGAGGTCCGGTGGTGCACACGGCTTGAGATGCCTGACAACCTTTACACCTTTGTGCTG-3'
Protein context (NP_005466.1, residues 247-267): RPKLQAACSS[Ile257Met]QEVRWCTRLE